The following is an entry in ClinVar:

ClinVar aggregate classification (germline): Likely benign (1 of 4 stars; one submission).

Allele frequency attached by ClinVar (database versions not stated): 1000 Genomes Project 30x 0.00016; 1000 Genomes Project 0.00020; gnomAD exomes 0.00031; ESP Exome Variant Server 0.00039; TOPMed 0.00061; ExAC 0.00075; gnomAD 0.00075.
gnomAD v4.1: 577 of 1,612,950 alleles (0.036%); highest among the groups gnomAD compares: African/African-American, 0.11%; 1 homozygote.

Submission:

CeGaT Center for Human Genetics Tuebingen
Classification: Likely benign. Last evaluated: 2022-10-01. Review status: criteria provided, single submitter. Criteria: CeGaT Center For Human Genetics Tuebingen Variant Classification Criteria Version 2. Collection method: clinical testing. Allele origin: germline. Affected: yes. Observed: 2 variant alleles.
Comment: CSPG4: BP4, BP7

NM_001897.5(CSPG4):c.3147G>A (p.Ser1049=)

Gene: CSPG4 (chondroitin sulfate proteoglycan 4; minus strand). Cytogenetic location: 15q24.2.
Variant type: single nucleotide variant.
Coding change: c.3147G>A on transcript NM_001897.5 (MANE Select); coding-DNA position 3147, G replaced by A.
Protein change: p.Ser1049=; no amino-acid change (serine 1049 retained).
Molecular consequence: synonymous variant.
Genome position (GRCh38, 1-based): chr15:75,687,918, C>T on the plus strand (G>A on the coding strand, the complement: CSPG4 is on the minus strand). VCF-style: chr15-75687918-C-T. GRCh37 (hg19) VCF-style: chr15-75980259-C-T.
Identifiers: ClinVar variation 2645571 (VCV002645571.24), dbSNP rs142273329, ClinGen allele CA7670221.